The following is an entry in ClinVar:

NM_144599.5(NIPA1):c.726C>G (p.Ile242Met)

Gene: NIPA1 (NIPA magnesium transporter 1; plus strand). Cytogenetic location: 15q11.2.
Variant type: single nucleotide variant.
Coding change: c.726C>G on transcript NM_144599.5 (MANE Select); coding-DNA position 726, C replaced by G.
Protein change: p.Ile242Met; replaces isoleucine 242 with methionine.
Molecular consequence: missense variant.
Genome position (GRCh38, 1-based): chr15:22,823,975, C>G. VCF-style: chr15-22823975-C-G. GRCh37 (hg19) VCF-style: chr15-23049093-G-C.
Other names: c.501C>G, p.Ile167Met (NM_001142275.1); short protein forms I167M, I242M.
Identifiers: ClinVar variation 4883087 (VCV004883087.2).

ClinVar aggregate classification (germline): Uncertain significance (1 of 4 stars; one submission).

Conditions:
Hereditary spastic paraplegia 6 (SPG6). Also called: SPASTIC PARAPLEGIA 6, AUTOSOMAL DOMINANT. Identifiers: Orphanet 100988, MedGen C1838192, MONDO:0010878, OMIM 600363.

Submission:

Dasa
Classification: Uncertain significance for Hereditary spastic paraplegia 6. Last evaluated: 2025-07-18. Review status: criteria provided, single submitter. Criteria: DASA Assertion Criteria. Collection method: clinical testing. Allele origin: germline.
Comment: NM_144599.5(NIPA1):c.726C>G (p.Ile242Met) is a missense variant that results in the substitution of isoleucine with methionine. This variant is absent from population databases. The currently available literature and clinical evidence are not sufficient to establish a definitive association between this variant and the reported condition. Therefore, this variant is classified as a variant of uncertain significance.